The following is an entry in ClinVar:

ClinVar aggregate classification (germline): Pathogenic (1 of 4 stars; one submission).

Conditions:
Long QT syndrome (LQTS). Identifiers: MedGen C0023976, MeSH D008133, MONDO:0002442. Disease mechanism: loss of function. Inheritance: Various modes of inheritance.

Submission:

Labcorp Genetics (formerly Invitae), Labcorp
Classification: Pathogenic for Long QT syndrome. Last evaluated: 2024-11-04. Review status: criteria provided, single submitter. Criteria: Invitae Variant Classification Sherloc (09022015). Collection method: clinical testing. Allele origin: germline.
Comment: This sequence change creates a premature translational stop signal (p.Thr474Profs*27) in the KCNH2 gene. It is expected to result in an absent or disrupted protein product. Loss-of-function variants in KCNH2 are known to be pathogenic (PMID: 10973849, 19862833). This variant is not present in population databases (gnomAD no frequency). This variant has not been reported in the literature in individuals affected with KCNH2-related conditions. ClinVar contains an entry for this variant (Variation ID: 1069284). For these reasons, this variant has been classified as Pathogenic.

Literature cited by the submitters: PubMed 10973849; PubMed 19862833.

NM_000238.4(KCNH2):c.1420_1472del (p.Thr474fs)

Gene: KCNH2 (potassium voltage-gated channel subfamily H member 2; minus strand). Cytogenetic location: 7q36.1.
Variant type: Deletion.
Coding change: c.1420_1472del on transcript NM_000238.4 (MANE Select); coding-DNA positions 1420 to 1472, 53 bases deleted.
Protein change: p.Thr474fs; shifts the reading frame from threonine 474.
Molecular consequence: frameshift variant.
Genome position (GRCh38, 1-based): chr7:150,952,510-150,952,562, 53 bases deleted. GRCh37 (hg19): chr7:150,649,598-150,649,650.
Other names: c.400_452del, p.Thr134fs (NM_001204798.2, NM_172057.3); c.1132_1184del53, p.Thr378Profs (NM_001406753.1, NM_001406756.1); c.1243_1295del53, p.Thr415Profs (NM_001406755.1); c.1120_1172del53, p.Thr374Profs (NM_001406757.1); c.1420_1472del53, p.Thr474Profs (NM_172056.3); short protein forms T134fs, T474fs.
Identifiers: ClinVar variation 1069284 (VCV001069284.8), dbSNP rs2116969765, ClinGen allele CA2499218812.